The following is an entry in ClinVar:

ClinVar aggregate classification (germline): Likely benign. Review status: criteria provided, single submitter (1 of 4 stars). 2 submissions from 2 submitters: Likely benign (1). 1 of the submissions does not count toward it. Last evaluated 2025-08-01.

Conditions:
GDF11-related disorder. Also called: GDF11-related condition.

Allele frequency attached by ClinVar (database versions not stated): 1000 Genomes Project 30x 0.00078; 1000 Genomes Project 0.00080; ExAC 0.00191; gnomAD 0.00249; TOPMed 0.00263; ESP Exome Variant Server 0.00269.
gnomAD v4.1: 6,200 of 1,614,240 alleles (0.38%); highest among the groups gnomAD compares: Non-Finnish European, 0.48%; 13 homozygotes.

Submissions (2):

CeGaT Center for Human Genetics Tuebingen
Classification: Likely benign. Last evaluated: 2025-08-01. Review status: criteria provided, single submitter. Criteria: CeGaT Center For Human Genetics Tuebingen Variant Classification Criteria Version 2. Collection method: clinical testing. Allele origin: germline. Affected: yes. Observed: 1 variant allele.
Comment: GDF11: BS2

PreventionGenetics, part of Exact Sciences
Classification: Likely benign for GDF11-related condition. Last evaluated: 2023-02-16. Review status: no assertion criteria provided. Collection method: clinical testing. Allele origin: germline. Not counted in ClinVar's aggregate classification.
Comment: This variant is classified as likely benign based on ACMG/AMP sequence variant interpretation guidelines (Richards et al. 2015 PMID: 25741868, with internal and published modifications).

NM_005811.5(GDF11):c.629G>T (p.Gly210Val)

Gene: GDF11 (growth differentiation factor 11; plus strand). Cytogenetic location: 12q13.2.
Variant type: single nucleotide variant.
Coding change: c.629G>T on transcript NM_005811.5 (MANE Select); coding-DNA position 629, G replaced by T.
Protein change: p.Gly210Val; replaces glycine 210 with valine.
Molecular consequence: missense variant.
Genome position (GRCh38, 1-based): chr12:55,748,769, G>T. VCF-style: chr12-55748769-G-T. GRCh37 (hg19) VCF-style: chr12-56142553-G-T.
Other names: short protein forms G210V.
Identifiers: ClinVar variation 3044452 (VCV003044452.10), dbSNP rs35639297, ClinGen allele CA6617341.